The following is an entry in ClinVar:

NM_001365951.3(KIF1B):c.5005A>T (p.Ile1669Phe)

Gene: KIF1B (kinesin family member 1B; plus strand). Cytogenetic location: 1p36.22.
Variant type: single nucleotide variant.
Coding change: c.5005A>T on transcript NM_001365951.3 (MANE Select); coding-DNA position 5005, A replaced by T.
Protein change: p.Ile1669Phe; replaces isoleucine 1669 with phenylalanine.
Molecular consequence: missense variant.
Genome position (GRCh38, 1-based): chr1:10,374,374, A>T. VCF-style: chr1-10374374-A-T. GRCh37 (hg19) VCF-style: chr1-10434432-A-T.
Other names: c.5005A>T, p.Ile1669Phe (NM_001365952.1); c.4867A>T, p.Ile1623Phe (NM_015074.3); short protein forms I1623F, I1669F.
Identifiers: ClinVar variation 3226521 (VCV003226521.1), dbSNP rs2521977707, ClinGen allele CA338329089.
Genomic context (GRCh38, chr1:10,374,374, plus strand): 5'-AGGACCCCAGAAGCCAATTCCCGGGCCTCTAGTCCCTGCCCAGAATTTGAACAGTTTCAG[A>T]TTGTCCCAGCTGTGGAAACACCATATTTGGCCCGAGCAGGAAAAAACGAATTTCTCAATC-3'
Protein context (NP_001352880.1, residues 1659-1679): SPCPEFEQFQ[Ile1669Phe]VPAVETPYLA

ClinVar aggregate classification (germline): Uncertain significance (1 of 4 stars; one submission).

Submission:

Ambry Genetics
Classification: Uncertain significance. Last evaluated: 2024-03-09. Review status: criteria provided, single submitter. Criteria: Ambry Variant Classification Scheme 2023. Collection method: clinical testing. Allele origin: germline.
Comment: The p.I1623F variant (also known as c.4867A>T), located in coding exon 43 of the KIF1B gene, results from an A to T substitution at nucleotide position 4867. The isoleucine at codon 1623 is replaced by phenylalanine, an amino acid with highly similar properties. This amino acid position is conserved. In addition, this alteration is predicted to be tolerated by in silico analysis. Based on the available evidence, the clinical significance of this alteration remains unclear.